The following is an entry in ClinVar:

NM_032888.4(COL27A1):c.353G>A (p.Arg118His)

Gene: COL27A1 (collagen type XXVII alpha 1 chain; plus strand). Cytogenetic location: 9q32.
Variant type: single nucleotide variant.
Coding change: c.353G>A on transcript NM_032888.4 (MANE Select); coding-DNA position 353, G replaced by A.
Protein change: p.Arg118His; replaces arginine 118 with histidine.
Molecular consequence: missense variant.
Genome position (GRCh38, 1-based): chr9:114,167,908, G>A. VCF-style: chr9-114167908-G-A. GRCh37 (hg19) VCF-style: chr9-116930188-G-A.
Other names: c.353G>A (NM_032888.2); short protein forms R118H.
Identifiers: ClinVar variation 2156541 (VCV002156541.4), dbSNP rs772045340, ClinGen allele CA5201125.

ClinVar aggregate classification (germline): Uncertain significance. Review status: criteria provided, multiple submitters, no conflicts (2 of 4 stars). 2 submissions from 2 submitters: Uncertain significance (2). Last evaluated 2025-08-27.

Conditions:
Inborn genetic diseases. Identifiers: MedGen C0950123, MeSH D030342.

Allele frequency attached by ClinVar (database versions not stated): ExAC 0.00003; gnomAD 0.00003; gnomAD exomes 0.00005; TOPMed 0.00005.
gnomAD v4.1: 74 of 1,612,354 alleles (0.0046%); highest among the groups gnomAD compares: African/African-American, 0.008%; no homozygotes.

Submissions (2):

Ambry Genetics
Classification: Uncertain significance for Inborn genetic diseases. Last evaluated: 2025-08-27. Review status: criteria provided, single submitter. Criteria: Ambry Variant Classification Scheme 2023. Collection method: clinical testing. Allele origin: germline.

Labcorp Genetics (formerly Invitae), Labcorp
Classification: Uncertain significance. Last evaluated: 2024-03-11. Review status: criteria provided, single submitter. Criteria: Invitae Variant Classification Sherloc (09022015). Collection method: clinical testing. Allele origin: germline.
Comment: This sequence change replaces arginine, which is basic and polar, with histidine, which is basic and polar, at codon 118 of the COL27A1 protein (p.Arg118His). This variant is present in population databases (rs772045340, gnomAD 0.008%). This variant has not been reported in the literature in individuals affected with COL27A1-related conditions. ClinVar contains an entry for this variant (Variation ID: 2156541). Advanced modeling of protein sequence and biophysical properties (such as structural, functional, and spatial information, amino acid conservation, physicochemical variation, residue mobility, and thermodynamic stability) performed at Invitae indicates that this missense variant is not expected to disrupt COL27A1 protein function with a negative predictive value of 95%. In summary, the available evidence is currently insufficient to determine the role of this variant in disease. Therefore, it has been classified as a Variant of Uncertain Significance.